The following is an entry in ClinVar:

ClinVar aggregate classification (germline): Likely benign. Review status: criteria provided, multiple submitters, no conflicts (2 of 4 stars). 2 submissions from 2 submitters: Likely benign (2). Last evaluated 2025-10-23.

Conditions:
Combined immunodeficiency due to LRBA deficiency. Also called: Common variable immunodeficiency 8, with autoimmunity. Identifiers: Orphanet 445018, MedGen C3553512, MONDO:0013863, OMIM 614700.

Allele frequency attached by ClinVar (database versions not stated): gnomAD 0.00002 and 0.00003; ESP Exome Variant Server 0.00008.
gnomAD v4.1: 48 of 1,603,914 alleles (0.003%); highest among the groups gnomAD compares: Non-Finnish European, 0.0037%; no homozygotes.

Submissions (2):

Labcorp Genetics (formerly Invitae), Labcorp
Classification: Likely benign for Combined immunodeficiency due to LRBA deficiency. Last evaluated: 2025-10-23. Review status: criteria provided, single submitter. Criteria: Invitae Variant Classification Sherloc (09022015). Collection method: clinical testing. Allele origin: germline.

Mayo Clinic Laboratories, Mayo Clinic
Classification: Likely benign. Last evaluated: 2025-08-12. Review status: criteria provided, single submitter. Criteria: ACMG Guidelines, 2015. Collection method: clinical testing. Allele origin: germline. Observed: 1 variant allele.
Comment: BP4, BP7

NM_001364905.1(LRBA):c.1493+8C>T

Gene: LRBA (LPS responsive beige-like anchor protein; minus strand). Cytogenetic location: 4q31.3.
Variant type: single nucleotide variant.
Coding change: c.1493+8C>T on transcript NM_001364905.1 (MANE Select); 8 bases into the intron after coding-DNA position 1493, C replaced by T.
Molecular consequence: intron variant.
Genome position (GRCh38, 1-based): chr4:150,908,326, G>A on the plus strand (C>T on the coding strand, the complement: LRBA is on the minus strand). VCF-style: chr4-150908326-G-A. GRCh37 (hg19) VCF-style: chr4-151829478-G-A.
Other names: p.?; c.1493+8C>T (NM_001367550.1, NM_006726.5, NM_001199282.3 and 3 more transcripts).
Identifiers: ClinVar variation 1094714 (VCV001094714.10), dbSNP rs373460238, ClinGen allele CA3103573.